The following is an entry in ClinVar:

NM_020717.5(SHROOM4):c.3414A>G (p.Glu1138=)

Gene: SHROOM4 (shroom family member 4; minus strand). Cytogenetic location: Xp11.22.
Variant type: single nucleotide variant.
Coding change: c.3414A>G on transcript NM_020717.5 (MANE Select); coding-DNA position 3414, A replaced by G.
Protein change: p.Glu1138=; no amino-acid change (glutamic acid 1138 retained).
Molecular consequence: synonymous variant. On other transcripts: non-coding transcript variant (4).
Genome position (GRCh38, 1-based): chrX:50,607,728, T>C on the plus strand (A>G on the coding strand, the complement: SHROOM4 is on the minus strand). VCF-style: chrX-50607728-T-C. GRCh37 (hg19) VCF-style: chrX-50350728-T-C.
Identifiers: ClinVar variation 95972 (VCV000095972.16), dbSNP rs6614552, ClinGen allele CA149090.

ClinVar aggregate classification (germline): Benign. Review status: criteria provided, multiple submitters, no conflicts (2 of 4 stars). 5 submissions from 5 submitters: Benign (4). 1 of the submissions does not count toward it. Last evaluated 2015-09-25.

Conditions:
SHROOM4-related disorder. Also called: SHROOM4-related condition.

Allele frequency attached by ClinVar (database versions not stated): ExAC 0.01839; gnomAD exomes 0.01891; gnomAD 0.06452 and 0.06860.
gnomAD v4.1: 14,580 of 1,112,932 alleles (1.3%); highest among the groups gnomAD compares: African/African-American, 22%; 1,063 homozygotes.

Submissions (5):

Eurofins Ntd Llc (ga)
Classification: Benign. Last evaluated: 2015-09-25. Review status: criteria provided, single submitter. Criteria: EGL Classification Definitions 2015. Collection method: clinical testing. Allele origin: germline. Observed: 5 variant alleles, 5 hemizygotes.

Ambry Genetics
Classification: Benign. Last evaluated: 2015-07-12. Review status: criteria provided, single submitter. Criteria: Ambry Variant Classification Scheme 2023. Collection method: clinical testing. Allele origin: germline.

Genetic Services Laboratory, University of Chicago
Classification: Benign for AllHighlyPenetrant. Last evaluated: 2013-10-11. Review status: criteria provided, single submitter. Criteria: ACMG Guidelines, 2007. Collection method: clinical testing. Allele origin: germline. Inheritance: X-linked inheritance.

Breakthrough Genomics
Classification: Benign. Review status: criteria provided, single submitter. Criteria: ACMG Guidelines, 2015. Collection method: not provided. Allele origin: germline. Inheritance: Unknown mechanism. Affected: yes.

PreventionGenetics, part of Exact Sciences
Classification: Benign for SHROOM4-related condition. Last evaluated: 2019-06-11. Review status: no assertion criteria provided. Collection method: clinical testing. Allele origin: germline. Not counted in ClinVar's aggregate classification.
Comment: This variant is classified as benign based on ACMG/AMP sequence variant interpretation guidelines (Richards et al. 2015 PMID: 25741868, with internal and published modifications).